The following is an entry in ClinVar:

NM_007215.4(POLG2):c.952A>G (p.Asn318Asp)

Genes: MILR1 (mast cell immunoglobulin like receptor 1; plus strand), POLG2 (DNA polymerase gamma 2, accessory subunit; minus strand). Cytogenetic location: 17q23.3.
Variant type: single nucleotide variant.
Coding change: c.952A>G on transcript NM_007215.4 (MANE Select); coding-DNA position 952, A replaced by G.
Protein change: p.Asn318Asp; replaces asparagine 318 with aspartic acid.
Molecular consequence: missense variant.
Genome position (GRCh38, 1-based): chr17:64,490,813, T>C on the plus strand (A>G on the coding strand, the complement: POLG2 is on the minus strand). VCF-style: chr17-64490813-T-C. GRCh37 (hg19) VCF-style: chr17-62486930-T-C.
Other names: short protein forms N318D.
Identifiers: ClinVar variation 3764495 (VCV003764495.1).

ClinVar aggregate classification (germline): Uncertain significance (1 of 4 stars; one submission).

Conditions:
Mitochondrial dna depletion syndrome 16B (neuroophthalmic type). Identifiers: MedGen C5543632, MONDO:0030326, OMIM 619425.

Submission:

Neuberg Centre For Genomic Medicine, NCGM
Classification: Uncertain significance for Mitochondrial dna depletion syndrome 16B (neuroophthalmic type). Review status: criteria provided, single submitter. Criteria: ACMG Guidelines, 2015. Collection method: clinical testing. Allele origin: germline. Inheritance: Autosomal recessive inheritance. Affected: yes.
Comment: The missesne c.952A>G(p.Asn318Asp) variant in POLG2 gene has not been reported previously as a pathogenic variant nor as a benign variant, to our knowledge. This variant is novel (not in any individuals) in gnomAD Exomes and 1000 Genomes. The amino acid Aspargine at position 318 is changed to a Aspartate changing protein sequence and it might alter its composition and physico-chemical properties. For these reasons, this variant has been classified as Uncertain Significance.